The following is an entry in ClinVar:

ClinVar aggregate classification (germline): Uncertain significance (1 of 4 stars; one submission).

Allele frequency attached by ClinVar (database versions not stated): gnomAD exomes below 0.00001 and 0.00001; TOPMed below 0.00001; ExAC 0.00001; gnomAD 0.00001.
gnomAD v4.1: 3 of 1,599,026 alleles (0.00019%); highest among the groups gnomAD compares: Admixed American, 0.005%; no homozygotes.

Submission:

Labcorp Genetics (formerly Invitae), Labcorp
Classification: Uncertain significance. Last evaluated: 2025-03-05. Review status: criteria provided, single submitter. Criteria: Invitae Variant Classification Sherloc (09022015). Collection method: clinical testing. Allele origin: germline.
Comment: This sequence change replaces cysteine, which is neutral and slightly polar, with arginine, which is basic and polar, at codon 394 of the AHDC1 protein (p.Cys394Arg). This variant is present in population databases (rs756690740, gnomAD 0.006%). This variant has not been reported in the literature in individuals affected with AHDC1-related conditions. ClinVar contains an entry for this variant (Variation ID: 1476286). An algorithm developed to predict the effect of missense changes on protein structure and function (PolyPhen-2) suggests that this variant is likely to be disruptive. In summary, the available evidence is currently insufficient to determine the role of this variant in disease. Therefore, it has been classified as a Variant of Uncertain Significance.

NM_001371928.1(AHDC1):c.1180T>C (p.Cys394Arg)

Gene: AHDC1 (AT-hook DNA binding motif containing 1; minus strand). Cytogenetic location: 1p36.11.
Variant type: single nucleotide variant.
Coding change: c.1180T>C on transcript NM_001371928.1 (MANE Select); coding-DNA position 1180, T replaced by C.
Protein change: p.Cys394Arg; replaces cysteine 394 with arginine.
Molecular consequence: missense variant.
Genome position (GRCh38, 1-based): chr1:27,550,936, A>G on the plus strand (T>C on the coding strand, the complement: AHDC1 is on the minus strand). VCF-style: chr1-27550936-A-G. GRCh37 (hg19) VCF-style: chr1-27877447-A-G.
Other names: c.1180T>C, p.Cys394Arg (NM_001029882.3); short protein forms C394R.
Identifiers: ClinVar variation 1476286 (VCV001476286.8), dbSNP rs756690740, ClinGen allele CA716002.
Genomic context (GRCh38, chr1:27,550,936, plus strand): 5'-GTAGGCGGCCCTCGGGTCCGGCGTCTGCCTTGCGTCCCCGTCCGGCTTTCCGCCGGCGAC[A>G]CAGGATCTTTGGCCTATCAGTGCGCCGCAAGGCGTACTTGGGGTGACCCTCAGGCCCGGG-3'
Protein context (NP_001358857.1, residues 384-404): LRRTDRPKIL[Cys394Arg]RRRKAGRGRK